The following is an entry in ClinVar:

NM_015141.4(GPD1L):c.121T>A (p.Trp41Arg)

Gene: GPD1L (glycerol-3-phosphate dehydrogenase 1 like; plus strand). Cytogenetic location: 3p22.3.
Variant type: single nucleotide variant.
Coding change: c.121T>A on transcript NM_015141.4 (MANE Select); coding-DNA position 121, T replaced by A.
Protein change: p.Trp41Arg; replaces tryptophan 41 with arginine.
Molecular consequence: missense variant.
Genome position (GRCh38, 1-based): chr3:32,128,149, T>A. VCF-style: chr3-32128149-T-A. GRCh37 (hg19) VCF-style: chr3-32169641-T-A.
Other names: short protein forms W41R.
Identifiers: ClinVar variation 3609683 (VCV003609683.2).

ClinVar aggregate classification (germline): Uncertain significance (1 of 4 stars; one submission).

Conditions:
Brugada syndrome. Also called: Sudden Unexplained Death Syndrome; Sudden Unexplained Nocturnal Death Syndrome (SUNDS); Sudden unexpected nocturnal death syndrome; Sudden unexplained nocturnal death syndrome. Identifiers: Orphanet 130, MedGen C1142166, MONDO:0015263.

gnomAD v4.1: 1 of 1,611,902 alleles (0.000062%); highest among the groups gnomAD compares: Non-Finnish European, 0.000085%; no homozygotes.

Submission:

Labcorp Genetics (formerly Invitae), Labcorp
Classification: Uncertain significance for Brugada syndrome. Last evaluated: 2024-09-29. Review status: criteria provided, single submitter. Criteria: Invitae Variant Classification Sherloc (09022015). Collection method: clinical testing. Allele origin: germline.
Comment: This sequence change replaces tryptophan, which is neutral and slightly polar, with arginine, which is basic and polar, at codon 41 of the GPD1L protein (p.Trp41Arg). This variant is not present in population databases (gnomAD no frequency). This variant has not been reported in the literature in individuals affected with GPD1L-related conditions. Invitae Evidence Modeling of protein sequence and biophysical properties (such as structural, functional, and spatial information, amino acid conservation, physicochemical variation, residue mobility, and thermodynamic stability) has been performed for this missense variant. However, the output from this modeling did not meet the statistical confidence thresholds required to predict the impact of this variant on GPD1L protein function. In summary, the available evidence is currently insufficient to determine the role of this variant in disease. Therefore, it has been classified as a Variant of Uncertain Significance.